The following is an entry in ClinVar:

ClinVar aggregate classification (germline): Uncertain significance (1 of 4 stars; one submission).

Submission:

GeneDx
Classification: Uncertain significance. Last evaluated: 2024-01-17. Review status: criteria provided, single submitter. Criteria: GeneDx Variant Classification Process June 2021. Collection method: clinical testing. Allele origin: germline. Affected: yes.
Comment: Not observed at significant frequency in large population cohorts (gnomAD); In silico analysis supports that this missense variant does not alter protein structure/function; Has not been previously published as pathogenic or benign to our knowledge

NM_032043.3(BRIP1):c.1139G>C (p.Ser380Thr)

Gene: BRIP1 (BRCA1 interacting DNA helicase 1; minus strand). Cytogenetic location: 17q23.2.
Variant type: single nucleotide variant.
Coding change: c.1139G>C on transcript NM_032043.3 (MANE Select); coding-DNA position 1139, G replaced by C.
Protein change: p.Ser380Thr; replaces serine 380 with threonine.
Molecular consequence: missense variant.
Genome position (GRCh38, 1-based): chr17:61,801,254, C>G on the plus strand (G>C on the coding strand, the complement: BRIP1 is on the minus strand). VCF-style: chr17-61801254-C-G. GRCh37 (hg19) VCF-style: chr17-59878615-C-G.
Other names: short protein forms S380T.
Identifiers: ClinVar variation 3367970 (VCV003367970.1).